The following is an entry in ClinVar:

ClinVar aggregate classification (germline): Pathogenic (1 of 4 stars; one submission).

Submission:

Labcorp Genetics (formerly Invitae), Labcorp
Classification: Pathogenic. Last evaluated: 2024-08-16. Review status: criteria provided, single submitter. Criteria: Invitae Variant Classification Sherloc (09022015). Collection method: clinical testing. Allele origin: germline.
Comment: This sequence change creates a premature translational stop signal (p.Pro808Leufs*35) in the LCT gene. It is expected to result in an absent or disrupted protein product. Loss-of-function variants in LCT are known to be pathogenic (PMID: 16400612, 25881162). This variant is not present in population databases (gnomAD no frequency). This variant has not been reported in the literature in individuals affected with LCT-related conditions. For these reasons, this variant has been classified as Pathogenic.

Literature cited by the submitters: PubMed 16400612; PubMed 25881162.

NM_002299.4(LCT):c.2423del (p.Pro808fs)

Gene: LCT (lactase; minus strand). Cytogenetic location: 2q21.3.
Variant type: Deletion.
Coding change: c.2423del on transcript NM_002299.4 (MANE Select); coding-DNA position 2423, one base deleted (C; older notation c.2423delC).
Protein change: p.Pro808fs; shifts the reading frame from proline 808.
Molecular consequence: frameshift variant.
Genome position (GRCh38, 1-based): chr2:135,809,924, G deleted on the plus strand (C on the coding strand, the reverse complement: LCT is on the minus strand); the first of 3 consecutive G bases (chr2:135,809,924-135,809,926); deleting any one gives the same sequence. VCF-style (leftmost placement, unchanged base first): chr2-135809923-AG-A. GRCh37 (hg19) VCF-style: chr2-136567493-AG-A.
Other names: short protein forms P808fs.
Identifiers: ClinVar variation 3643650 (VCV003643650.2).